The following is an entry in ClinVar:

NM_001127222.2(CACNA1A):c.1465T>C (p.Tyr489His)

Gene: CACNA1A (calcium voltage-gated channel subunit alpha1 A; minus strand). Cytogenetic location: 19p13.13.
Variant type: single nucleotide variant.
Coding change: c.1465T>C on transcript NM_001127222.2 (MANE Select); coding-DNA position 1465, T replaced by C.
Protein change: p.Tyr489His; replaces tyrosine 489 with histidine.
Molecular consequence: missense variant.
Genome position (GRCh38, 1-based): chr19:13,317,202, A>G on the plus strand (T>C on the coding strand, the complement: CACNA1A is on the minus strand). VCF-style: chr19-13317202-A-G. GRCh37 (hg19) VCF-style: chr19-13428016-A-G.
Other names: c.1468T>C, p.Tyr490His (NM_000068.4, NM_001127221.2, NM_001174080.2 and 1 more transcripts); c.1468T>C (NM_001127221.1); short protein forms Y490H, Y489H.
Identifiers: ClinVar variation 624128 (VCV000624128.43), dbSNP rs1568528172, ClinGen allele CA404345748.

ClinVar aggregate classification (germline): Uncertain significance. Review status: criteria provided, multiple submitters, no conflicts (2 of 4 stars). 2 submissions from 2 submitters: Uncertain significance (2). Last evaluated 2022-10-17.

Submissions (2):

GeneDx
Classification: Uncertain significance. Last evaluated: 2022-10-17. Review status: criteria provided, single submitter. Criteria: GeneDx Variant Classification Process June 2021. Collection method: clinical testing. Allele origin: germline. Affected: yes.
Comment: Not observed at significant frequency in large population cohorts (gnomAD); In silico analysis supports that this missense variant has a deleterious effect on protein structure/function; Has not been previously published as pathogenic or benign to our knowledge

CeGaT Center for Human Genetics Tuebingen
Classification: Uncertain significance. Last evaluated: 2018-04-01. Review status: criteria provided, single submitter. Criteria: CeGaT Center For Human Genetics Tuebingen Variant Classification Criteria Version 2. Collection method: clinical testing. Allele origin: germline. Affected: yes. Observed: 1 variant allele.